The following is an entry in ClinVar:

NM_001242.5(CD27):c.133C>T (p.Pro45Ser)

Genes: CD27 (CD27 molecule; plus strand), CD27-AS1 (CD27 antisense RNA 1; minus strand). Cytogenetic location: 12p13.31.
Variant type: single nucleotide variant.
Coding change: c.133C>T on transcript NM_001242.5 (MANE Select); coding-DNA position 133, C replaced by T.
Protein change: p.Pro45Ser; replaces proline 45 with serine.
Molecular consequence: missense variant. On other transcripts: non-coding transcript variant (3), intron variant (3).
Genome position (GRCh38, 1-based): chr12:6,445,228, C>T. VCF-style: chr12-6445228-C-T. GRCh37 (hg19) VCF-style: chr12-6554394-C-T.
Other names: c.133C>T, p.Pro45Ser (NM_001413263.1, NM_001413264.1, NM_001413265.1); c.-402-196C>T (NM_001413267.1); c.-314-196C>T (NM_001413266.1, NM_001413268.1); short protein forms P45S.
Identifiers: ClinVar variation 2815156 (VCV002815156.3), dbSNP rs1305041473, ClinGen allele CA383545884.

ClinVar aggregate classification (germline): Uncertain significance (1 of 4 stars; one submission).

Conditions:
Lymphoproliferative syndrome 2 (LPFS2). Also called: CD27 DEFICIENCY; Combined immunodeficiency due to CD27 deficiency. Identifiers: Orphanet 238505, MedGen C3554540, MONDO:0014054, OMIM 615122.

gnomAD v4.1: 1 of 1,613,900 alleles (0.000062%); highest among the groups gnomAD compares: Admixed American, 0.0017%; no homozygotes.

Submission:

Labcorp Genetics (formerly Invitae), Labcorp
Classification: Uncertain significance for Lymphoproliferative syndrome 2. Last evaluated: 2022-11-19. Review status: criteria provided, single submitter. Criteria: Invitae Variant Classification Sherloc (09022015). Collection method: clinical testing. Allele origin: germline.
Comment: In summary, the available evidence is currently insufficient to determine the role of this variant in disease. Therefore, it has been classified as a Variant of Uncertain Significance. Advanced modeling of protein sequence and biophysical properties (such as structural, functional, and spatial information, amino acid conservation, physicochemical variation, residue mobility, and thermodynamic stability) performed at Invitae indicates that this missense variant is expected to disrupt CD27 protein function. This variant has not been reported in the literature in individuals affected with CD27-related conditions. The frequency data for this variant in the population databases is considered unreliable, as metrics indicate poor data quality at this position in the gnomAD database. This sequence change replaces proline, which is neutral and non-polar, with serine, which is neutral and polar, at codon 45 of the CD27 protein (p.Pro45Ser).